The following is an entry in ClinVar:

ClinVar aggregate classification (germline): Uncertain significance (1 of 4 stars; one submission).

Submission:

Labcorp Genetics (formerly Invitae), Labcorp
Classification: Uncertain significance. Last evaluated: 2023-06-22. Review status: criteria provided, single submitter. Criteria: Invitae Variant Classification Sherloc (09022015). Collection method: clinical testing. Allele origin: germline.
Comment: This sequence change replaces serine, which is neutral and polar, with phenylalanine, which is neutral and non-polar, at codon 2311 of the NSD1 protein (p.Ser2311Phe). This variant is not present in population databases (gnomAD no frequency). In summary, the available evidence is currently insufficient to determine the role of this variant in disease. Therefore, it has been classified as a Variant of Uncertain Significance. This variant has not been reported in the literature in individuals affected with NSD1-related conditions. Advanced modeling of protein sequence and biophysical properties (such as structural, functional, and spatial information, amino acid conservation, physicochemical variation, residue mobility, and thermodynamic stability) performed at Invitae indicates that this missense variant is not expected to disrupt NSD1 protein function.

NM_022455.5(NSD1):c.6932C>T (p.Ser2311Phe)

Gene: NSD1 (nuclear receptor binding SET domain protein 1; plus strand). Cytogenetic location: 5q35.3.
Variant type: single nucleotide variant.
Coding change: c.6932C>T on transcript NM_022455.5 (MANE Select); coding-DNA position 6932, C replaced by T.
Protein change: p.Ser2311Phe; replaces serine 2311 with phenylalanine.
Molecular consequence: missense variant.
Genome position (GRCh38, 1-based): chr5:177,294,300, C>T. VCF-style: chr5-177294300-C-T. GRCh37 (hg19) VCF-style: chr5-176721301-C-T.
Other names: c.6059C>T, p.Ser2020Phe (NM_172349.5, NM_001365684.2, NM_001409308.1); c.6932C>T, p.Ser2311Phe (NM_001409301.1, NM_001409302.1, NM_001409303.1); c.6512C>T, p.Ser2171Phe (NM_001409304.1); c.6179C>T, p.Ser2060Phe (NM_001409305.1); c.6170C>T, p.Ser2057Phe (NM_001409306.1, NM_001409307.1); c.5810C>T, p.Ser1937Phe (NM_001409309.1); short protein forms S1937F, S2020F, S2060F, S2311F, S2057F, S2171F.
Identifiers: ClinVar variation 3676848 (VCV003676848.2).